The following is an entry in ClinVar:

NM_003126.4(SPTA1):c.1350+14A>T

Gene: SPTA1 (spectrin alpha, erythrocytic 1; minus strand). Cytogenetic location: 1q23.1.
Variant type: single nucleotide variant.
Coding change: c.1350+14A>T on transcript NM_003126.4 (MANE Select); 14 bases into the intron after coding-DNA position 1350, A replaced by T.
Molecular consequence: intron variant.
Genome position (GRCh38, 1-based): chr1:158,674,315, T>A on the plus strand (A>T on the coding strand, the complement: SPTA1 is on the minus strand). VCF-style: chr1-158674315-T-A. GRCh37 (hg19) VCF-style: chr1-158644105-T-A.
Other names: p.?.
Identifiers: ClinVar variation 258917 (VCV000258917.69), dbSNP rs703116, ClinGen allele CA1183816.

ClinVar aggregate classification (germline): Benign/Likely benign. Review status: criteria provided, multiple submitters, no conflicts (2 of 4 stars). 15 submissions from 11 submitters: Benign (12); Likely benign (1). 2 of the submissions do not count toward it. Last evaluated 2026-02-03.

Conditions:
Hereditary spherocytosis type 3. Also called: Spherocytosis type 3; SPTA1-Related Spherocytosis. Identifiers: Orphanet 822, MedGen C2678338, MONDO:0010053, OMIM 270970.
Elliptocytosis 2 (EL2). Also called: ELLIPTOCYTOSIS, RHESUS-UNLINKED TYPE. Identifiers: Orphanet 288, MedGen C1851741, MONDO:0007533, OMIM 130600.
Pyropoikilocytosis, hereditary. Also called: Pyropoikilocytosis. Identifiers: MedGen C0520739, MONDO:0009948, OMIM 266140, HP:0004839. Disease mechanism: loss of function.

Allele frequency attached by ClinVar (database versions not stated): gnomAD exomes 0.40426 and 0.40313; gnomAD 0.31859 and 0.32898; TOPMed 0.32166; ESP Exome Variant Server 0.32712; 1000 Genomes Project 30x 0.34822; 1000 Genomes Project 0.35423; ExAC 0.39991.
gnomAD v4.1: 639,260 of 1,611,594 alleles (40%); highest among the groups gnomAD compares: South Asian, 54%; 131,090 homozygotes.

Submissions (15):

Labcorp Genetics (formerly Invitae), Labcorp
Classification: Benign. Last evaluated: 2026-02-03. Review status: criteria provided, single submitter. Criteria: Invitae Variant Classification Sherloc (09022015). Collection method: clinical testing. Allele origin: germline.

ARUP Laboratories, Molecular Genetics and Genomics, ARUP Laboratories
Classification: Benign. Last evaluated: 2025-07-31. Review status: criteria provided, single submitter. Criteria: ARUP Molecular Germline Variant Investigation Process 2024. Collection method: clinical testing. Allele origin: germline.

Blueprint Genetics
Classification: Likely benign. Last evaluated: 2024-11-26. Review status: criteria provided, single submitter. Criteria: ACMG Guidelines, 2015. Collection method: clinical testing. Allele origin: germline.

Genome-Nilou Lab
Classification: Benign for Pyropoikilocytosis, hereditary. Last evaluated: 2021-07-15. Review status: criteria provided, single submitter. Criteria: ACMG Guidelines, 2015. Collection method: clinical testing. Allele origin: germline. Affected: no.

Genome-Nilou Lab
Classification: Benign for Hereditary spherocytosis type 3. Last evaluated: 2021-07-15. Review status: criteria provided, single submitter. Criteria: ACMG Guidelines, 2015. Collection method: clinical testing. Allele origin: germline. Affected: no.

Genome-Nilou Lab
Classification: Benign for Elliptocytosis 2. Last evaluated: 2021-07-15. Review status: criteria provided, single submitter. Criteria: ACMG Guidelines, 2015. Collection method: clinical testing. Allele origin: germline. Affected: no.

GeneDx
Classification: Benign. Last evaluated: 2018-11-12. Review status: criteria provided, single submitter. Criteria: GeneDx Variant Classification Process June 2021. Collection method: clinical testing. Allele origin: germline. Affected: yes.

Illumina Laboratory Services, Illumina
Classification: Benign for Elliptocytosis 2. Last evaluated: 2018-01-12. Review status: criteria provided, single submitter. Criteria: ICSL Variant Classification Criteria 13 December 2019. Collection method: clinical testing. Allele origin: germline.
Comment: This variant was observed in the ICSL laboratory as part of a predisposition screen in an ostensibly healthy population. It had not been previously curated by ICSL or reported in the Human Gene Mutation Database (HGMD: prior to June 1st, 2018), and was therefore a candidate for classification through an automated scoring system. Utilizing variant allele frequency, disease prevalence and penetrance estimates, and inheritance mode, an automated score was calculated to assess if this variant is too frequent to cause the disease. Based on the score and internal cut-off values, a variant classified as benign is not then subjected to further curation. The score for this variant resulted in a classification of benign for this disease.

Illumina Laboratory Services, Illumina
Classification: Benign for Hereditary spherocytosis type 3. Last evaluated: 2018-01-12. Review status: criteria provided, single submitter. Criteria: ICSL Variant Classification Criteria 13 December 2019. Collection method: clinical testing. Allele origin: germline.
Comment: the same text as in the submission from Illumina Laboratory Services, Illumina above.

Illumina Laboratory Services, Illumina
Classification: Benign for Pyropoikilocytosis, hereditary. Last evaluated: 2018-01-12. Review status: criteria provided, single submitter. Criteria: ICSL Variant Classification Criteria 13 December 2019. Collection method: clinical testing. Allele origin: germline.
Comment: the same text as in the submission from Illumina Laboratory Services, Illumina above.

Mayo Clinic Laboratories, Mayo Clinic
Classification: Benign. Last evaluated: 2016-04-16. Review status: criteria provided, single submitter. Criteria: ACMG Guidelines, 2015. Collection method: clinical testing. Allele origin: germline. Observed: 1,371 variant alleles.

Breakthrough Genomics
Classification: Benign. Review status: criteria provided, single submitter. Criteria: ACMG Guidelines, 2015. Collection method: not provided. Allele origin: germline. Inheritance: Autosomal recessive inheritance. Affected: yes.

PreventionGenetics, part of Exact Sciences
Classification: Benign. Review status: criteria provided, single submitter. Criteria: ACMG Guidelines, 2015. Collection method: clinical testing. Allele origin: germline.

Diagnostic Laboratory, Department of Genetics, University Medical Center Groningen
Classification: Benign. Review status: no assertion criteria provided. Collection method: clinical testing. Allele origin: germline. Affected: yes. Study: VKGL Data-share Consensus. Not counted in ClinVar's aggregate classification.

Genome Diagnostics Laboratory, University Medical Center Utrecht
Classification: Benign. Review status: no assertion criteria provided. Collection method: clinical testing. Allele origin: germline. Affected: yes. Study: VKGL Data-share Consensus. Not counted in ClinVar's aggregate classification.